The following is an entry in ClinVar:

ClinVar aggregate classification (germline): Uncertain significance (1 of 4 stars; one submission).

Conditions:
Neuroblastoma, susceptibility to, 3. Also called: ALK-Related Neuroblastic Tumor Susceptibility. Identifiers: Orphanet 635, MedGen C2751681, MONDO:0013083, OMIM 613014.

Submissions (2):

Labcorp Genetics (formerly Invitae), Labcorp
Classification: Uncertain significance for Neuroblastoma, susceptibility to, 3. Last evaluated: 2019-11-25. Review status: criteria provided, single submitter. Criteria: Invitae Variant Classification Sherloc (09022015). Collection method: clinical testing. Allele origin: germline.
Comment: This variant is not present in population databases (ExAC no frequency). This sequence change falls in intron 25 of the ALK gene. It does not directly change the encoded amino acid sequence of the ALK protein, but it affects a nucleotide within the consensus splice site of the intron. In summary, the available evidence is currently insufficient to determine the role of this variant in disease. Therefore, it has been classified as a Variant of Uncertain Significance. Nucleotide substitutions within the consensus splice site are a relatively common cause of aberrant splicing (PMID: 17576681, 9536098). Algorithms developed to predict the effect of sequence changes on RNA splicing suggest that this variant is not likely to affect RNA splicing, but this prediction has not been confirmed by published transcriptional studies. This variant has not been reported in the literature in individuals with ALK-related conditions.

Dr. Peter K. Rogan Lab, Western University
No classification provided (evidence only). Condition: Ovarian serous cystadenocarcinoma. Review status: no classification provided. Collection method: in vitro. Allele origin: not applicable. Functional consequence: retained intron. Not counted in ClinVar's aggregate classification.

Literature cited by the submitters: PubMed 17576681 (cited by Labcorp Genetics (formerly Invitae), Labcorp); PubMed 9536098 (cited by Labcorp Genetics (formerly Invitae), Labcorp).

NM_004304.5(ALK):c.3836+6T>G

Gene: ALK (ALK receptor tyrosine kinase; minus strand). Cytogenetic location: 2p23.2.
Variant type: single nucleotide variant.
Coding change: c.3836+6T>G on transcript NM_004304.5 (MANE Select); 6 bases into the intron after coding-DNA position 3836, T replaced by G.
Molecular consequence: intron variant.
Genome position (GRCh38, 1-based): chr2:29,209,780, A>C on the plus strand (T>G on the coding strand, the complement: ALK is on the minus strand). VCF-style: chr2-29209780-A-C. GRCh37 (hg19) VCF-style: chr2-29432646-A-C.
Other names: c.632+6T>G (NM_001353765.2).
Identifiers: ClinVar variation 841128 (VCV000841128.10), dbSNP rs1669413751, ClinGen allele CA916081303.